The following is an entry in ClinVar:

ClinVar aggregate classification (germline): Uncertain significance (1 of 4 stars; one submission).

Allele frequency attached by ClinVar (database versions not stated): gnomAD exomes below 0.00001; TOPMed below 0.00001; gnomAD 0.00001.
gnomAD v4.1: 2 of 1,612,134 alleles (0.00012%); highest among the groups gnomAD compares: Non-Finnish European, 0.00017%; no homozygotes.

Submission:

Labcorp Genetics (formerly Invitae), Labcorp
Classification: Uncertain significance. Last evaluated: 2024-11-04. Review status: criteria provided, single submitter. Criteria: Invitae Variant Classification Sherloc (09022015). Collection method: clinical testing. Allele origin: germline.
Comment: This sequence change replaces threonine, which is neutral and polar, with isoleucine, which is neutral and non-polar, at codon 3220 of the ADGRV1 protein (p.Thr3220Ile). This variant is not present in population databases (gnomAD no frequency). This variant has not been reported in the literature in individuals affected with ADGRV1-related conditions. ClinVar contains an entry for this variant (Variation ID: 1390343). Invitae Evidence Modeling of protein sequence and biophysical properties (such as structural, functional, and spatial information, amino acid conservation, physicochemical variation, residue mobility, and thermodynamic stability) indicates that this missense variant is not expected to disrupt ADGRV1 protein function with a negative predictive value of 95%. In summary, the available evidence is currently insufficient to determine the role of this variant in disease. Therefore, it has been classified as a Variant of Uncertain Significance.

NM_032119.4(ADGRV1):c.9659C>T (p.Thr3220Ile)

Gene: ADGRV1 (adhesion G protein-coupled receptor V1; plus strand). Cytogenetic location: 5q14.3.
Variant type: single nucleotide variant.
Coding change: c.9659C>T on transcript NM_032119.4 (MANE Select); coding-DNA position 9659, C replaced by T.
Protein change: p.Thr3220Ile; replaces threonine 3220 with isoleucine.
Molecular consequence: missense variant. On other transcripts: non-coding transcript variant (1).
Genome position (GRCh38, 1-based): chr5:90,720,970, C>T. VCF-style: chr5-90720970-C-T. GRCh37 (hg19) VCF-style: chr5-90016787-C-T.
Other names: short protein forms T3220I.
Identifiers: ClinVar variation 1390343 (VCV001390343.5), dbSNP rs1750844355, ClinGen allele CA360400598.